The following is an entry in ClinVar:

ClinVar aggregate classification (germline): Uncertain significance (1 of 4 stars; one submission).

Allele frequency attached by ClinVar (database versions not stated): gnomAD exomes below 0.00001; TOPMed below 0.00001.
gnomAD v4.1: 5 of 1,612,408 alleles (0.00031%); highest among the groups gnomAD compares: African/African-American, 0.0013%; no homozygotes.

Submission:

GeneDx
Classification: Uncertain significance. Last evaluated: 2022-01-13. Review status: criteria provided, single submitter. Criteria: GeneDx Variant Classification Process June 2021. Collection method: clinical testing. Allele origin: germline. Affected: yes.
Comment: Not observed at significant frequency in large population cohorts (gnomAD); In silico analysis supports that this missense variant does not alter protein structure/function; Has not been previously published as pathogenic or benign to our knowledge

NM_144672.4(OTOA):c.377T>C (p.Leu126Ser)

Gene: OTOA (otoancorin). Cytogenetic location: 16p12.2.
Variant type: single nucleotide variant.
Coding change: c.377T>C on transcript NM_144672.4 (MANE Select); coding-DNA position 377, T replaced by C.
Protein change: p.Leu126Ser; replaces leucine 126 with serine.
Molecular consequence: missense variant.
Genome position (GRCh38, 1-based): chr16:21,685,339, T>C. VCF-style: chr16-21685339-T-C. GRCh37 (hg19) VCF-style: chr16-21696660-T-C.
Other names: c.140T>C, p.Leu47Ser (NM_001161683.2); short protein forms L126S, L47S.
Identifiers: ClinVar variation 1696943 (VCV001696943.2), dbSNP rs772099935, ClinGen allele CA279395224.
Genomic context (GRCh38, chr16:21,685,339, plus strand): 5'-TGCTGGAGGACCTGAGGAAGACAGACGCCCAGCAGTTCCGCACTGCCATGAAATGCCTCT[T>C]AGAAGACAAGAAGGACGGCTTGGTGAGGAGCCCTTGGCATCCCGGGGATAGAGGAAGTCC-3'
Protein context (NP_653273.3, residues 116-136): QQFRTAMKCL[Leu126Ser]EDKKDGLDLK